The following is an entry in ClinVar:

ClinVar aggregate classification (germline): Uncertain significance (1 of 4 stars; one submission).

gnomAD v4.1: 1 of 1,613,230 alleles (0.000062%); highest among the groups gnomAD compares: Non-Finnish European, 0.000085%; no homozygotes.

Submission:

GeneDx
Classification: Uncertain significance. Last evaluated: 2024-11-24. Review status: criteria provided, single submitter. Criteria: GeneDx Variant Classification Process June 2021. Collection method: clinical testing. Allele origin: germline. Affected: yes.
Comment: Not observed at significant frequency in large population cohorts (gnomAD); Nonsense variant predicted to result in protein truncation or nonsense mediated decay in a gene or region of a gene for which loss of function is not a well-established mechanism of disease; Has not been previously published as pathogenic or benign to our knowledge

NM_001256012.3(MYH10):c.2245C>T (p.Arg749Ter)

Gene: MYH10 (myosin heavy chain 10; minus strand). Cytogenetic location: 17p13.1.
Variant type: single nucleotide variant.
Coding change: c.2245C>T on transcript NM_001256012.3 (MANE Select); coding-DNA position 2245, C replaced by T.
Protein change: p.Arg749Ter; replaces arginine 749 with a stop codon.
Molecular consequence: nonsense.
Genome position (GRCh38, 1-based): chr17:8,520,906, G>A on the plus strand (C>T on the coding strand, the complement: MYH10 is on the minus strand). VCF-style: chr17-8520906-G-A. GRCh37 (hg19) VCF-style: chr17-8424224-G-A.
Other names: c.2179C>T, p.Arg727Ter (NM_001256095.2); c.2182C>T, p.Arg728Ter (NM_001375266.1); c.2152C>T, p.Arg718Ter (NM_005964.5); short protein forms R718*, R727*, R728*, R749*.
Identifiers: ClinVar variation 3900171 (VCV003900171.1).